The following is an entry in ClinVar:

NM_001003800.2(BICD2):c.2327A>C (p.Lys776Thr)

Gene: BICD2 (BICD cargo adaptor 2; minus strand). Cytogenetic location: 9q22.31.
Variant type: single nucleotide variant.
Coding change: c.2327A>C on transcript NM_001003800.2 (MANE Select); coding-DNA position 2327, A replaced by C.
Protein change: p.Lys776Thr; replaces lysine 776 with threonine.
Molecular consequence: missense variant.
Genome position (GRCh38, 1-based): chr9:92,715,395, T>G on the plus strand (A>C on the coding strand, the complement: BICD2 is on the minus strand). VCF-style: chr9-92715395-T-G. GRCh37 (hg19) VCF-style: chr9-95477677-T-G.
Other names: c.2327A>C, p.Lys776Thr (NM_015250.4); short protein forms K776T.
Identifiers: ClinVar variation 1339070 (VCV001339070.2), dbSNP rs2131496327, ClinGen allele CA374030442.

ClinVar aggregate classification (germline): Uncertain significance (1 of 4 stars; one submission).

Conditions:
Autosomal dominant childhood-onset proximal spinal muscular atrophy with contractures (SMALED2A). Also called: Spinal muscular atrophy, lower extremity-predominant, 2A, autosomal dominant; SPINAL MUSCULAR ATROPHY, LOWER EXTREMITY-PREDOMINANT, 2A, CHILDHOOD ONSET, AUTOSOMAL DOMINANT. Identifiers: Orphanet 363447, Orphanet 363454, MedGen C4747715, MONDO:0014121, OMIM 615290.

Allele frequency attached by ClinVar (database versions not stated): gnomAD exomes below 0.00001.
gnomAD v4.1: 3 of 1,610,002 alleles (0.00019%); highest among the groups gnomAD compares: Non-Finnish European, 0.00025%; no homozygotes.

Submission:

Neuberg Centre For Genomic Medicine, NCGM
Classification: Uncertain significance for Autosomal dominant childhood-onset proximal spinal muscular atrophy with contractures. Review status: criteria provided, single submitter. Criteria: ACMG Guidelines, 2015. Collection method: clinical testing. Allele origin: germline. Affected: yes.
Comment: The missense variant p.K776T in BICD2 (NM_001003800.2) has not been reported previously as a pathogenic variant nor as a benign variant, to our knowledge. The p.K776T variant is novel (not in any individuals) in gnomAD Exomes and is novel (not in any individuals) in 1000 Genomes. The p.K776T missense variant is predicted to be damaging by both SIFT and PolyPhen2. The lysine residue at codon 776 of BICD2 is conserved in all mammalian species. The nucleotide c.2327 in BICD2 is predicted conserved by GERP++ and PhyloP across 100 vertebrates.For these reasons, this variant has been classified as Uncertain Significance.